The following is an entry in ClinVar:

NM_001734.5(C1S):c.1751C>T (p.Ala584Val)

Gene: C1S (complement C1s; plus strand). Cytogenetic location: 12p13.31.
Variant type: single nucleotide variant.
Coding change: c.1751C>T on transcript NM_001734.5 (MANE Select); coding-DNA position 1751, C replaced by T.
Protein change: p.Ala584Val; replaces alanine 584 with valine.
Molecular consequence: missense variant.
Genome position (GRCh38, 1-based): chr12:7,070,335, C>T. VCF-style: chr12-7070335-C-T. GRCh37 (hg19) VCF-style: chr12-7177639-C-T.
Other names: c.1250C>T, p.Ala417Val (NM_001346850.2); c.1751C>T, p.Ala584Val (NM_201442.4); c.1751C>T (NM_201442.3); short protein forms A417V, A584V.
Identifiers: ClinVar variation 2414773 (VCV002414773.8), dbSNP rs782616996, ClinGen allele CA6423840.
Genomic context (GRCh38, chr12:7,070,335, plus strand): 5'-TGGGACTGATCTCAGGCTGGGGCCGAACAGAGAAGAGAGATCGTGCTGTTCGCCTCAAGG[C>T]GGCAAGGTTACCTGTAGCTCCTTTAAGAAAATGCAAAGAAGTGAAAGTGGAGAAACCCAC-3'
Protein context (NP_001725.1, residues 574-594): EKRDRAVRLK[Ala584Val]ARLPVAPLRK

ClinVar aggregate classification (germline): Uncertain significance. Review status: criteria provided, multiple submitters, no conflicts (2 of 4 stars). 3 submissions from 3 submitters: Uncertain significance (3). Last evaluated 2026-06-09.

Conditions:
C1S-related disorder. Also called: C1S-related condition.

Allele frequency attached by ClinVar (database versions not stated): ExAC 0.00001; gnomAD exomes 0.00002; TOPMed 0.00002; gnomAD 0.00003.
gnomAD v4.1: 28 of 1,614,114 alleles (0.0017%); highest among the groups gnomAD compares: Admixed American, 0.01%; no homozygotes.

Submissions (3):

PreventionGenetics, part of Exact Sciences
Classification: Uncertain significance for C1S-related condition. Last evaluated: 2026-06-09. Review status: criteria provided, single submitter. Criteria: ACMG Guidelines, 2015. Collection method: clinical testing. Allele origin: germline.
Comment: The C1S c.1751C>T variant is predicted to result in the amino acid substitution p.Ala584Val. To our knowledge, this variant has not been reported in the literature. This variant is reported in 0.0065% of alleles in individuals of South Asian descent in gnomAD. At this time, the clinical significance of this variant is uncertain due to the absence of conclusive functional and genetic evidence.

Labcorp Genetics (formerly Invitae), Labcorp
Classification: Uncertain significance. Last evaluated: 2025-10-14. Review status: criteria provided, single submitter. Criteria: Invitae Variant Classification Sherloc (09022015). Collection method: clinical testing. Allele origin: germline.
Comment: This sequence change replaces alanine, which is neutral and non-polar, with valine, which is neutral and non-polar, at codon 584 of the C1S protein (p.Ala584Val). This variant is present in population databases (rs782616996, gnomAD 0.006%). This variant has not been reported in the literature in individuals affected with C1S-related conditions. ClinVar contains an entry for this variant (Variation ID: 2414773). Invitae Evidence Modeling of protein sequence and biophysical properties (such as structural, functional, and spatial information, amino acid conservation, physicochemical variation, residue mobility, and thermodynamic stability) indicates that this missense variant is not expected to disrupt C1S protein function with a negative predictive value of 80%. In summary, the available evidence is currently insufficient to determine the role of this variant in disease. Therefore, it has been classified as a Variant of Uncertain Significance.

Women's Health and Genetics/Laboratory Corporation of America, LabCorp
Classification: Uncertain significance. Last evaluated: 2025-10-10. Review status: criteria provided, single submitter. Criteria: LabCorp Variant Classification Summary - May 2015. Collection method: clinical testing. Allele origin: germline.
Comment: Variant summary: C1S c.1751C>T (p.Ala584Val) results in a non-conservative amino acid change in the encoded protein sequence. Algorithms developed to predict the effect of missense changes on protein structure and function are either unavailable or do not agree on the potential impact of this missense change. The variant allele was found at a frequency of 2e-05 in 251434 control chromosomes. The available data on variant occurrences in the general population are insufficient to allow any conclusion about variant significance. To our knowledge, no occurrence of c.1751C>T in individuals affected with C1S-related conditions and no experimental evidence demonstrating its impact on protein function have been reported. ClinVar contains an entry for this variant (Variation ID: 2414773). Based on the evidence outlined above, the variant was classified as uncertain significance.